The following is an entry in ClinVar:

NM_000505.4(F12):c.398-12C>T

Gene: F12 (coagulation factor XII; minus strand). Cytogenetic location: 5q35.3.
Variant type: single nucleotide variant.
Coding change: c.398-12C>T on transcript NM_000505.4 (MANE Select); 12 bases into the intron before coding-DNA position 398, C replaced by T.
Molecular consequence: intron variant.
Genome position (GRCh38, 1-based): chr5:177,405,197, G>A on the plus strand (C>T on the coding strand, the complement: F12 is on the minus strand). VCF-style: chr5-177405197-G-A. GRCh37 (hg19) VCF-style: chr5-176832198-G-A.
Identifiers: ClinVar variation 353002 (VCV000353002.14), dbSNP rs56285942, ClinGen allele CA3581497.

ClinVar aggregate classification (germline): Benign/Likely benign. Review status: criteria provided, multiple submitters, no conflicts (2 of 4 stars). 5 submissions from 4 submitters: Benign (2); Likely benign (3). Last evaluated 2026-01-06.

Conditions:
Hereditary angioedema type 3 (HAE3). Also called: HAE WITH NORMAL C1 INHIBITOR CONCENTRATION AND FUNCTION; ANGIONEUROTIC EDEMA, HEREDITARY, WITH NORMAL C1 INHIBITOR CONCENTRATION AND FUNCTION; ESTROGEN-RELATED HAE; ESTROGEN-SENSITIVE HAE. Identifiers: Orphanet 100054, MedGen C1857728, MONDO:0012526, OMIM 610618.
Factor XII deficiency disease. Also called: F12 DEFICIENCY; HAF DEFICIENCY; Congenital factor XII deficiency; Reduced factor XII activity. Identifiers: Orphanet 330, MedGen C0015526, MONDO:0009315, OMIM 234000, HP:0004841.

Allele frequency attached by ClinVar (database versions not stated): 1000 Genomes Project 30x 0.00312; 1000 Genomes Project 0.00359; TOPMed 0.00489; gnomAD 0.00491 and 0.00495; ESP Exome Variant Server 0.00531; gnomAD exomes 0.00550 and 0.00814; ExAC 0.00556.

Submissions (5):

Labcorp Genetics (formerly Invitae), Labcorp
Classification: Benign. Last evaluated: 2026-01-06. Review status: criteria provided, single submitter. Criteria: Invitae Variant Classification Sherloc (09022015). Collection method: clinical testing. Allele origin: germline.

Blueprint Genetics
Classification: Likely benign. Last evaluated: 2024-11-25. Review status: criteria provided, single submitter. Criteria: ACMG Guidelines, 2015. Collection method: clinical testing. Allele origin: germline.

Fulgent Genetics
Classification: Likely benign for Factor XII deficiency disease; Hereditary angioedema type 3. Last evaluated: 2022-01-03. Review status: criteria provided, single submitter. Criteria: ACMG Guidelines, 2015. Collection method: clinical testing. Allele origin: unknown.

Illumina Laboratory Services, Illumina
Classification: Likely benign for Factor XII deficiency disease. Last evaluated: 2018-01-13. Review status: criteria provided, single submitter. Criteria: ICSL Variant Classification Criteria 13 December 2019. Collection method: clinical testing. Allele origin: germline.
Comment: This variant was observed in the ICSL laboratory as part of a predisposition screen in an ostensibly healthy population. It had not been previously curated by ICSL or reported in the Human Gene Mutation Database (HGMD: prior to June 1st, 2018), and was therefore a candidate for classification through an automated scoring system. Utilizing variant allele frequency, disease prevalence and penetrance estimates, and inheritance mode, an automated score was calculated to assess if this variant is too frequent to cause the disease. Based on the score and internal cut-off values, a variant classified as likely benign is not then subjected to further curation. The score for this variant resulted in a classification of likely benign for this disease.

Illumina Laboratory Services, Illumina
Classification: Benign for Hereditary angioedema type 3. Last evaluated: 2018-01-13. Review status: criteria provided, single submitter. Criteria: ICSL Variant Classification Criteria 13 December 2019. Collection method: clinical testing. Allele origin: germline.
Comment: This variant was observed in the ICSL laboratory as part of a predisposition screen in an ostensibly healthy population. It had not been previously curated by ICSL or reported in the Human Gene Mutation Database (HGMD: prior to June 1st, 2018), and was therefore a candidate for classification through an automated scoring system. Utilizing variant allele frequency, disease prevalence and penetrance estimates, and inheritance mode, an automated score was calculated to assess if this variant is too frequent to cause the disease. Based on the score and internal cut-off values, a variant classified as benign is not then subjected to further curation. The score for this variant resulted in a classification of benign for this disease.